The following is an entry in ClinVar:

NM_014991.6(WDFY3):c.7466G>A (p.Arg2489His)

Gene: WDFY3 (WD repeat and FYVE domain containing 3; minus strand). Cytogenetic location: 4q21.23.
Variant type: single nucleotide variant.
Coding change: c.7466G>A on transcript NM_014991.6 (MANE Select); coding-DNA position 7466, G replaced by A.
Protein change: p.Arg2489His; replaces arginine 2489 with histidine.
Molecular consequence: missense variant.
Genome position (GRCh38, 1-based): chr4:84,721,548, C>T on the plus strand (G>A on the coding strand, the complement: WDFY3 is on the minus strand). VCF-style: chr4-84721548-C-T. GRCh37 (hg19) VCF-style: chr4-85642701-C-T.
Other names: short protein forms R2489H.
Identifiers: ClinVar variation 4832367 (VCV004832367.1).

ClinVar aggregate classification (germline): Uncertain significance (1 of 4 stars; one submission).

Conditions:
Inborn genetic diseases. Identifiers: MedGen C0950123, MeSH D030342.

gnomAD v4.1: 6 of 1,607,998 alleles (0.00037%); highest among the groups gnomAD compares: African/African-American, 0.0013%; no homozygotes.

Submission:

Ambry Genetics
Classification: Uncertain significance for Inborn genetic diseases. Last evaluated: 2025-12-16. Review status: criteria provided, single submitter. Criteria: Ambry Variant Classification Scheme 2023. Collection method: clinical testing. Allele origin: germline.
Comment: The c.7466G>A (p.R2489H) alteration is located in exon 47 (coding exon 44) of the WDFY3 gene. This alteration results from a G to A substitution at nucleotide position 7466, causing the arginine (R) at amino acid position 2489 to be replaced by a histidine (H). Based on data from gnomAD, the A allele has an overall frequency of <0.001% (1/246982) total alleles studied. The highest observed frequency was 0.001% (1/113678) of European (non-Finnish) alleles. Based on insufficient or conflicting evidence, the clinical significance of this alteration remains unclear.